The following is an entry in ClinVar:

NM_014254.3(RXYLT1):c.157A>T (p.Arg53Ter)

Gene: RXYLT1 (ribitol xylosyltransferase 1; plus strand). Cytogenetic location: 12q14.2.
Variant type: single nucleotide variant.
Coding change: c.157A>T on transcript NM_014254.3 (MANE Select); coding-DNA position 157, A replaced by T.
Protein change: p.Arg53Ter; replaces arginine 53 with a stop codon.
Molecular consequence: nonsense. On other transcripts: 5 prime UTR variant (1).
Genome position (GRCh38, 1-based): chr12:63,780,117, A>T. VCF-style: chr12-63780117-A-T. GRCh37 (hg19) VCF-style: chr12-64173897-A-T.
Other names: c.-957A>T (NM_001278237.2); short protein forms R53*.
Identifiers: ClinVar variation 2783807 (VCV002783807.2), dbSNP rs1465787576, ClinGen allele CA385584039.
Genomic context (GRCh38, chr12:63,780,117, plus strand): 5'-CGCCAGGCGCCGGCCGGGTCCCCGCGGGGCCTCAGGAAGGGGGCGGCCCCCGCGCGGGAG[A>T]GACGCGGCCGAGGTAGGACTGGGTCGGCGGCTTCCTTCCGGCTCTGCGCTCCTGGCTGGG-3'

ClinVar aggregate classification (germline): Pathogenic (1 of 4 stars; one submission).

Allele frequency attached by ClinVar (database versions not stated): TOPMed below 0.00001.

Submission:

Labcorp Genetics (formerly Invitae), Labcorp
Classification: Pathogenic. Last evaluated: 2023-08-10. Review status: criteria provided, single submitter. Criteria: Invitae Variant Classification Sherloc (09022015). Collection method: clinical testing. Allele origin: germline.
Comment: For these reasons, this variant has been classified as Pathogenic. This variant has not been reported in the literature in individuals affected with RXYLT1-related conditions. This variant is present in population databases (no rsID available, gnomAD 0.005%). This sequence change creates a premature translational stop signal (p.Arg53*) in the RXYLT1 gene. It is expected to result in an absent or disrupted protein product. Loss-of-function variants in RXYLT1 are known to be pathogenic (PMID: 23217329, 23519211, 31742715).

Literature cited by the submitters: PubMed 23217329; PubMed 23519211; PubMed 31742715.